The following is an entry in ClinVar:

ClinVar aggregate classification (germline): Uncertain significance (1 of 4 stars; one submission).

Submission:

Ambry Genetics
Classification: Uncertain significance. Last evaluated: 2023-11-03. Review status: criteria provided, single submitter. Criteria: Ambry Variant Classification Scheme 2023. Collection method: clinical testing. Allele origin: germline.
Comment: The p.A2410S variant (also known as c.7228G>T), located in coding exon 26 of the POLQ gene, results from a G to T substitution at nucleotide position 7228. The alanine at codon 2410 is replaced by serine, an amino acid with similar properties. This amino acid position is conserved. In addition, the in silico prediction for this alteration is inconclusive. Since supporting evidence is limited at this time, the clinical significance of this alteration remains unclear.

NM_199420.4(POLQ):c.7228G>T (p.Ala2410Ser)

Gene: POLQ (DNA polymerase theta; minus strand). Cytogenetic location: 3q13.33.
Variant type: single nucleotide variant.
Coding change: c.7228G>T on transcript NM_199420.4 (MANE Select); coding-DNA position 7228, G replaced by T.
Protein change: p.Ala2410Ser; replaces alanine 2410 with serine.
Molecular consequence: missense variant.
Genome position (GRCh38, 1-based): chr3:121,449,351, C>A on the plus strand (G>T on the coding strand, the complement: POLQ is on the minus strand). VCF-style: chr3-121449351-C-A. GRCh37 (hg19) VCF-style: chr3-121168198-C-A.
Other names: short protein forms A2410S.
Identifiers: ClinVar variation 3230142 (VCV003230142.1), dbSNP rs780536132, ClinGen allele CA354102338.